The following is an entry in ClinVar:

NM_005199.5(CHRNG):c.240+2T>C

Gene: CHRNG (cholinergic receptor nicotinic gamma subunit; plus strand). Cytogenetic location: 2q37.1.
Variant type: single nucleotide variant.
Coding change: c.240+2T>C on transcript NM_005199.5 (MANE Select); the canonical splice donor site of the intron after coding-DNA position 240, T replaced by C.
Molecular consequence: splice donor variant.
Genome position (GRCh38, 1-based): chr2:232,540,427, T>C. VCF-style: chr2-232540427-T-C. GRCh37 (hg19) VCF-style: chr2-233405137-T-C.
Identifiers: ClinVar variation 2748044 (VCV002748044.3), dbSNP rs2469746315, ClinGen allele CA351007325.
Genomic context (GRCh38, chr2:232,540,427, plus strand): 5'-CCTTGCACCCCCAGAACGAGCGAGAGGAAGCCCTCACCACCAATGTCTGGATAGAGATGG[T>C]AAGAGGCCACCCTGCCACCCTCCTTCCATCAGGGGTCCCACCCCACCACCCCAAGGCCTC-3'

ClinVar aggregate classification (germline): Likely pathogenic (1 of 4 stars; one submission).

Submission:

Labcorp Genetics (formerly Invitae), Labcorp
Classification: Likely pathogenic. Last evaluated: 2023-07-29. Review status: criteria provided, single submitter. Criteria: Invitae Variant Classification Sherloc (09022015). Collection method: clinical testing. Allele origin: germline.
Comment: In summary, the currently available evidence indicates that the variant is pathogenic, but additional data are needed to prove that conclusively. Therefore, this variant has been classified as Likely Pathogenic. Algorithms developed to predict the effect of sequence changes on RNA splicing suggest that this variant may disrupt the consensus splice site. This variant has not been reported in the literature in individuals affected with CHRNG-related conditions. This variant is not present in population databases (gnomAD no frequency). This sequence change affects a donor splice site in intron 3 of the CHRNG gene. It is expected to disrupt RNA splicing. Variants that disrupt the donor or acceptor splice site typically lead to a loss of protein function (PMID: 16199547), and loss-of-function variants in CHRNG are known to be pathogenic (PMID: 16826520).

Literature cited by the submitters: PubMed 16199547; PubMed 16826520.